The following is an entry in ClinVar:

NM_147127.5(EVC2):c.1330C>T (p.Gln444Ter)

Genes: EVC2 (EvC ciliary complex subunit 2; minus strand), LOC126806961 (BRD4-independent group 4 enhancer GRCh37_chr4:5641443-5642642; plus strand). Cytogenetic location: 4p16.2.
Variant type: single nucleotide variant.
Coding change: c.1330C>T on transcript NM_147127.5 (MANE Select); coding-DNA position 1330, C replaced by T.
Protein change: p.Gln444Ter; replaces glutamine 444 with a stop codon.
Molecular consequence: nonsense.
Genome position (GRCh38, 1-based): chr4:5,640,654, G>A on the plus strand (C>T on the coding strand, the complement: EVC2 is on the minus strand). VCF-style: chr4-5640654-G-A. GRCh37 (hg19) VCF-style: chr4-5642381-G-A.
Other names: c.1090C>T, p.Gln364Ter (NM_001166136.2); short protein forms Q364*, Q444*.
Identifiers: ClinVar variation 1453016 (VCV001453016.10), dbSNP rs372215987, ClinGen allele CA2835092.

ClinVar aggregate classification (germline): Pathogenic. Review status: criteria provided, multiple submitters, no conflicts (2 of 4 stars). 2 submissions from 2 submitters: Pathogenic (2). Last evaluated 2025-01-23.

Conditions:
Ellis-van Creveld syndrome (EVC). Also called: EVC-Related Ellis-van Creveld Syndrome; EVC2-Related Ellis-van Creveld Syndrome; MESOECTODERMAL DYSPLASIA; Chondroectodermal dysplasia. Identifiers: Orphanet 289, MedGen C0013903, MONDO:0009162, OMIM 225500.
Curry-Hall syndrome (WAD). Also called: WEYERS ACRODENTAL DYSOSTOSIS. Identifiers: Orphanet 952, MedGen C0457013, MONDO:0008673, OMIM 193530.

gnomAD v4.1: 3 of 1,614,012 alleles (0.00019%); highest among the groups gnomAD compares: Non-Finnish European, 0.00017%; no homozygotes.

Submissions (2):

Labcorp Genetics (formerly Invitae), Labcorp
Classification: Pathogenic for Curry-Hall syndrome; Ellis-van Creveld syndrome. Last evaluated: 2025-01-23. Review status: criteria provided, single submitter. Criteria: Invitae Variant Classification Sherloc (09022015). Collection method: clinical testing. Allele origin: germline.
Comment: This sequence change creates a premature translational stop signal (p.Gln444*) in the EVC2 gene. It is expected to result in an absent or disrupted protein product. Loss-of-function variants in EVC2 are known to be pathogenic (PMID: 17024374, 19810119, 19876929). This variant is present in population databases (rs372215987, gnomAD 0.007%). This premature translational stop signal has been observed in individual(s) with Ellis-van Creveld syndrome (PMID: 35927022). ClinVar contains an entry for this variant (Variation ID: 1453016). For these reasons, this variant has been classified as Pathogenic.

Women's Health and Genetics/Laboratory Corporation of America, LabCorp
Classification: Pathogenic for Ellis-van Creveld syndrome. Last evaluated: 2024-12-27. Review status: criteria provided, single submitter. Criteria: LabCorp Variant Classification Summary - May 2015. Collection method: clinical testing. Allele origin: germline.
Comment: Variant summary: EVC2 c.1330C>T (p.Gln444X) results in a premature termination codon, predicted to cause a truncation of the encoded protein or absence of the protein due to nonsense mediated decay, which are commonly known mechanisms for disease. The variant allele was found at a frequency of 8e-06 in 251442 control chromosomes. c.1330C>T has been reported in the literature in individuals affected with Ellis-van Creveld syndrome (Aubert-Mucca_2023). To our knowledge, no experimental evidence demonstrating an impact on protein function has been reported. The following publication have been ascertained in the context of this evaluation (PMID: 35927022). ClinVar contains an entry for this variant (Variation ID: 1453016). Based on the evidence outlined above, the variant was classified as pathogenic.

Literature cited by the submitters: PubMed 17024374 (cited by Labcorp Genetics (formerly Invitae), Labcorp); PubMed 19810119 (cited by Labcorp Genetics (formerly Invitae), Labcorp); PubMed 19876929 (cited by Labcorp Genetics (formerly Invitae), Labcorp); PubMed 35927022 (cited by Labcorp Genetics (formerly Invitae), Labcorp and Women's Health and Genetics/Laboratory Corporation of America, LabCorp).